The following is an entry in ClinVar:

NM_000268.4(NF2):c.464C>T (p.Pro155Leu)

Gene: NF2 (NF2, moesin-ezrin-radixin like (MERLIN) tumor suppressor; plus strand). Cytogenetic location: 22q12.2.
Variant type: single nucleotide variant.
Coding change: c.464C>T on transcript NM_000268.4 (MANE Select); coding-DNA position 464, C replaced by T.
Protein change: p.Pro155Leu; replaces proline 155 with leucine.
Molecular consequence: missense variant. On other transcripts: non-coding transcript variant (1), intron variant (1).
Genome position (GRCh38, 1-based): chr22:29,654,673, C>T. VCF-style: chr22-29654673-C-T. GRCh37 (hg19) VCF-style: chr22-30050662-C-T.
Other names: c.464C>T, p.Pro155Leu (NM_016418.5, NM_181825.3, NM_181832.3); c.338C>T, p.Pro113Leu (NM_181828.3); c.341C>T, p.Pro114Leu (NM_181829.3); c.215C>T, p.Pro72Leu (NM_181830.3, NM_181831.3); c.447+12388C>T (NM_181833.3); short protein forms P113L, P114L, P155L, P72L.
Identifiers: ClinVar variation 1312631 (VCV001312631.10), dbSNP rs2146966580, ClinGen allele CA411142144.

ClinVar aggregate classification (germline): Uncertain significance. Review status: criteria provided, multiple submitters, no conflicts (2 of 4 stars). 3 submissions from 3 submitters: Uncertain significance (3). Last evaluated 2023-10-30.

Conditions:
Hereditary cancer-predisposing syndrome. Also called: Tumor predisposition; Hereditary Cancer Syndrome; Hereditary neoplastic syndrome; Neoplastic Syndromes, Hereditary. Identifiers: Orphanet 140162, MedGen C0027672, MeSH D009386, MONDO:0015356.
Neurofibromatosis, type 2 (SWNV). Also called: SCHWANNOMATOSIS, VESTIBULAR; BILATERAL ACOUSTIC NEUROFIBROMATOSIS; NF2-Related Schwannomatosis. Identifiers: Orphanet 637, MedGen C0027832, MONDO:0007039, OMIM 101000. Disease mechanism: loss of function.

Allele frequency attached by ClinVar (database versions not stated): gnomAD exomes below 0.00001.
gnomAD v4.1: 1 of 1,613,872 alleles (0.000062%); highest among the groups gnomAD compares: South Asian, 0.0011%; no homozygotes.

Submissions (3):

Ambry Genetics
Classification: Uncertain significance for Hereditary cancer-predisposing syndrome. Last evaluated: 2023-10-30. Review status: criteria provided, single submitter. Criteria: Ambry Variant Classification Scheme 2023. Collection method: clinical testing. Allele origin: germline.
Comment: The p.P155L variant (also known as c.464C>T), located in coding exon 5 of the NF2 gene, results from a C to T substitution at nucleotide position 464. The proline at codon 155 is replaced by leucine, an amino acid with similar properties. This amino acid position is well conserved in available vertebrate species. In addition, the in silico prediction for this alteration is inconclusive. Since supporting evidence is limited at this time, the clinical significance of this alteration remains unclear.

Labcorp Genetics (formerly Invitae), Labcorp
Classification: Uncertain significance for Neurofibromatosis, type 2. Last evaluated: 2021-07-12. Review status: criteria provided, single submitter. Criteria: Invitae Variant Classification Sherloc (09022015). Collection method: clinical testing. Allele origin: germline.
Comment: This sequence change replaces proline with leucine at codon 155 of the NF2 protein (p.Pro155Leu). The proline residue is highly conserved and there is a moderate physicochemical difference between proline and leucine. This variant is not present in population databases (ExAC no frequency). This variant has not been reported in the literature in individuals affected with NF2-related conditions. Algorithms developed to predict the effect of missense changes on protein structure and function are either unavailable or do not agree on the potential impact of this missense change (SIFT: "Tolerated"; PolyPhen-2: "Possibly Damaging"; Align-GVGD: "Class C0"). In summary, the available evidence is currently insufficient to determine the role of this variant in disease. Therefore, it has been classified as a Variant of Uncertain Significance.

GeneDx
Classification: Uncertain significance. Last evaluated: 2020-04-20. Review status: criteria provided, single submitter. Criteria: GeneDx Variant Classification Process June 2021. Collection method: clinical testing. Allele origin: germline. Affected: yes.
Comment: Not observed in large population cohorts (Lek 2016); In silico analysis supports that this missense variant has a deleterious effect on protein structure/function; Observed with a frameshift NF2 variant, phase (cis or trans) unknown, in an individual with neurofibromatosis type 2 (Contini 2015); This variant is associated with the following publications: (PMID: 26066488)